The following is an entry in ClinVar:

ClinVar aggregate classification (germline): Benign/Likely benign. Review status: criteria provided, multiple submitters, no conflicts (2 of 4 stars). 7 submissions from 6 submitters: Benign (3); Likely benign (4). Last evaluated 2026-01-18.

Conditions:
Fibromuscular dysplasia, multifocal. Identifiers: MedGen C5543412, MONDO:0859151, OMIM 619329.
Ehlers-Danlos syndrome, classic type, 1 (EDSCL1). Also called: EHLERS-DANLOS SYNDROME, GRAVIS TYPE; EHLERS-DANLOS SYNDROME, SEVERE CLASSIC TYPE; Ehlers-Danlos syndrome, type 1; Ehlers-Danlos Syndrome, Classic Type, COL5A1-Related; EDS I. Identifiers: MedGen C0268335, MONDO:0019567, OMIM 130000.
Familial thoracic aortic aneurysm and aortic dissection (TAAD). Also called: Thoracic aortic aneurysms and dissections. Identifiers: Orphanet 91387, MedGen C4707243, MONDO:0019625.

Allele frequency attached by ClinVar (database versions not stated): gnomAD 0.00004; gnomAD exomes 0.00004; TOPMed 0.00005; ExAC 0.00006; ESP Exome Variant Server 0.00008.
gnomAD v4.1: 149 of 1,614,016 alleles (0.0092%); highest among the groups gnomAD compares: East Asian, 0.022%; no homozygotes.

Submissions (7):

Labcorp Genetics (formerly Invitae), Labcorp
Classification: Likely benign for Ehlers-Danlos syndrome, classic type, 1. Last evaluated: 2026-01-18. Review status: criteria provided, single submitter. Criteria: Invitae Variant Classification Sherloc (09022015). Collection method: clinical testing. Allele origin: germline.

Mayo Clinic Laboratories, Mayo Clinic
Classification: Likely benign. Last evaluated: 2025-03-18. Review status: criteria provided, single submitter. Criteria: ACMG Guidelines, 2015. Collection method: clinical testing. Allele origin: germline. Observed: 2 variant alleles.
Comment: BS1, BP4, BP7

Ambry Genetics
Classification: Likely benign for Familial thoracic aortic aneurysm and aortic dissection. Last evaluated: 2024-08-20. Review status: criteria provided, single submitter. Criteria: Ambry Variant Classification Scheme 2023. Collection method: clinical testing. Allele origin: germline.

Blueprint Genetics
Classification: Likely benign. Last evaluated: 2022-11-30. Review status: criteria provided, single submitter. Criteria: ACMG Guidelines, 2015. Collection method: clinical testing. Allele origin: germline.

Genome-Nilou Lab
Classification: Benign for Ehlers-Danlos syndrome, classic type, 1. Last evaluated: 2022-03-15. Review status: criteria provided, single submitter. Criteria: ACMG Guidelines, 2015. Collection method: clinical testing. Allele origin: germline. Affected: no.

Genome-Nilou Lab
Classification: Benign for Fibromuscular dysplasia, multifocal. Last evaluated: 2022-03-15. Review status: criteria provided, single submitter. Criteria: ACMG Guidelines, 2015. Collection method: clinical testing. Allele origin: germline. Affected: no.

GeneDx
Classification: Benign. Last evaluated: 2014-12-05. Review status: criteria provided, single submitter. Criteria: GeneDx Variant Classification (06012015). Collection method: clinical testing. Allele origin: germline. Affected: yes.
Comment: This variant is considered likely benign or benign based on one or more of the following criteria: it is a conservative change, it occurs at a poorly conserved position in the protein, it is predicted to be benign by multiple in silico algorithms, and/or has population frequency not consistent with disease.

NM_000093.5(COL5A1):c.2268C>T (p.Pro756=)

Gene: COL5A1 (collagen type V alpha 1 chain; plus strand). Cytogenetic location: 9q34.3.
Variant type: single nucleotide variant.
Coding change: c.2268C>T on transcript NM_000093.5 (MANE Select); coding-DNA position 2268, C replaced by T.
Protein change: p.Pro756=; no amino-acid change (proline 756 retained).
Molecular consequence: synonymous variant.
Genome position (GRCh38, 1-based): chr9:134,768,445, C>T. VCF-style: chr9-134768445-C-T. GRCh37 (hg19) VCF-style: chr9-137660291-C-T.
Other names: p.P756P:CCC>CCT; p.Pro756=; c.2268C>T, p.Pro756= (NM_001278074.1).
Identifiers: ClinVar variation 212892 (VCV000212892.21), dbSNP rs367755808, ClinGen allele CA322094.